The following is an entry in ClinVar:

ClinVar aggregate classification (germline): Uncertain significance (1 of 4 stars; one submission).

Conditions:
PLXNA4-related disorder. Also called: PLXNA4-related condition.

gnomAD v4.1: 1 of 1,573,192 alleles (0.000064%); highest among the groups gnomAD compares: South Asian, 0.0012%; no homozygotes.

Submission:

PreventionGenetics, part of Exact Sciences
Classification: Uncertain significance for PLXNA4-related condition. Last evaluated: 2025-07-01. Review status: criteria provided, single submitter. Criteria: ACMG Guidelines, 2015. Collection method: clinical testing. Allele origin: germline.
Comment: The PLXNA4 c.38C>T variant is predicted to result in the amino acid substitution p.Ser13Phe. To our knowledge, this variant has not been reported in the literature or in a large population database (gnomAD), indicating this variant is rare. At this time, the clinical significance of this variant is uncertain due to the absence of conclusive functional and genetic evidence.

NM_020911.2(PLXNA4):c.38C>T (p.Ser13Phe)

Gene: PLXNA4 (plexin A4; minus strand). Cytogenetic location: 7q32.3.
Variant type: single nucleotide variant.
Coding change: c.38C>T on transcript NM_020911.2 (MANE Select); coding-DNA position 38, C replaced by T.
Protein change: p.Ser13Phe; replaces serine 13 with phenylalanine.
Molecular consequence: missense variant.
Genome position (GRCh38, 1-based): chr7:132,508,656, G>A on the plus strand (C>T on the coding strand, the complement: PLXNA4 is on the minus strand). VCF-style: chr7-132508656-G-A. GRCh37 (hg19) VCF-style: chr7-132193415-G-A.
Other names: c.38C>T, p.Ser13Phe (NM_001105543.2, NM_001393897.1, NM_181775.4); short protein forms S13F.
Identifiers: ClinVar variation 4998246 (VCV004998246.1).